The following is an entry in ClinVar:

ClinVar aggregate classification (germline): Likely benign. Review status: criteria provided, multiple submitters, no conflicts (2 of 4 stars). 2 submissions from 2 submitters: Likely benign (2). Last evaluated 2019-09-25.

Conditions:
Usher syndrome type 3. Also called: Usher Syndrome, Type III. Identifiers: Orphanet 231183, MedGen C1568248, MONDO:0016485.

Allele frequency attached by ClinVar (database versions not stated): gnomAD exomes 0.00038 and 0.00107; ExAC 0.00125; gnomAD 0.00370 and 0.00396; TOPMed 0.00432; 1000 Genomes Project 0.00499; 1000 Genomes Project 30x 0.00531.
gnomAD v4.1: 1,136 of 1,582,786 alleles (0.072%); highest among the groups gnomAD compares: African/African-American, 1.4%; 11 homozygotes.

Submissions (2):

GeneDx
Classification: Likely benign. Last evaluated: 2019-09-25. Review status: criteria provided, single submitter. Criteria: GeneDx Variant Classification Process June 2021. Collection method: clinical testing. Allele origin: germline. Affected: yes.

Illumina Laboratory Services, Illumina
Classification: Likely benign for Usher syndrome type 3A. Last evaluated: 2018-01-13. Review status: criteria provided, single submitter. Criteria: ICSL Variant Classification Criteria 13 December 2019. Collection method: clinical testing. Allele origin: germline.
Comment: This variant was observed in the ICSL laboratory as part of a predisposition screen in an ostensibly healthy population. It had not been previously curated by ICSL or reported in the Human Gene Mutation Database (HGMD: prior to June 1st, 2018), and was therefore a candidate for classification through an automated scoring system. Utilizing variant allele frequency, disease prevalence and penetrance estimates, and inheritance mode, an automated score was calculated to assess if this variant is too frequent to cause the disease. Based on the score and internal cut-off values, a variant classified as likely benign is not then subjected to further curation. The score for this variant resulted in a classification of likely benign for this disease.

NM_174878.3(CLRN1):c.*1191T>C

Gene: CLRN1 (clarin 1; minus strand). Cytogenetic location: 3q25.1.
Variant type: single nucleotide variant.
Coding change: c.*1191T>C on transcript NM_174878.3 (MANE Select); 1191 bases downstream of the stop codon, T replaced by C.
Molecular consequence: 3 prime UTR variant. On other transcripts: non-coding transcript variant (1).
Genome position (GRCh38, 1-based): chr3:150,926,745, A>G on the plus strand (T>C on the coding strand, the complement: CLRN1 is on the minus strand). VCF-style: chr3-150926745-A-G. GRCh37 (hg19) VCF-style: chr3-150644532-A-G.
Other names: c.*1191T>C (NM_001195794.1); c.*1504T>C (NM_001256819.2); c.*107T>C (NM_052995.2).
Identifiers: ClinVar variation 900992 (VCV000900992.6), dbSNP rs113817098, ClinGen allele CA2665866.